The following is an entry in ClinVar:

ClinVar aggregate classification (germline): Uncertain significance (1 of 4 stars; one submission).

Conditions:
Bethlem myopathy 1A. Also called: Bethlem myopathy 1; Bethlem Muscular Dystrophy; MYOPATHY, BENIGN CONGENITAL, WITH CONTRACTURES. Identifiers: Orphanet 610, MedGen CN029274, MONDO:0024530, OMIM 158810.

Allele frequency attached by ClinVar (database versions not stated): TOPMed 0.00001.

Submission:

Labcorp Genetics (formerly Invitae), Labcorp
Classification: Uncertain significance for Bethlem myopathy 1A. Last evaluated: 2025-06-04. Review status: criteria provided, single submitter. Criteria: Invitae Variant Classification Sherloc (09022015). Collection method: clinical testing. Allele origin: germline.
Comment: This sequence change replaces glutamine, which is neutral and polar, with arginine, which is basic and polar, at codon 82 of the COL6A3 protein (p.Gln82Arg). This variant is not present in population databases (gnomAD no frequency). This variant has not been reported in the literature in individuals affected with COL6A3-related conditions. ClinVar contains an entry for this variant (Variation ID: 2723043). Invitae Evidence Modeling of protein sequence and biophysical properties (such as structural, functional, and spatial information, amino acid conservation, physicochemical variation, residue mobility, and thermodynamic stability) indicates that this missense variant is not expected to disrupt COL6A3 protein function with a negative predictive value of 95%. In summary, the available evidence is currently insufficient to determine the role of this variant in disease. Therefore, it has been classified as a Variant of Uncertain Significance.

NM_004369.4(COL6A3):c.245A>G (p.Gln82Arg)

Gene: COL6A3 (collagen type VI alpha 3 chain; minus strand). Cytogenetic location: 2q37.3.
Variant type: single nucleotide variant.
Coding change: c.245A>G on transcript NM_004369.4 (MANE Select); coding-DNA position 245, A replaced by G.
Protein change: p.Gln82Arg; replaces glutamine 82 with arginine.
Molecular consequence: missense variant. On other transcripts: intron variant (4).
Genome position (GRCh38, 1-based): chr2:237,395,051, T>C on the plus strand (A>G on the coding strand, the complement: COL6A3 is on the minus strand). VCF-style: chr2-237395051-T-C. GRCh37 (hg19) VCF-style: chr2-238303694-T-C.
Other names: c.91+1676A>G (NM_057166.5, NM_057167.4, NM_057164.5 and 1 more transcripts); short protein forms Q82R.
Identifiers: ClinVar variation 2723043 (VCV002723043.3), dbSNP rs2078398652, ClinGen allele CA351227941.